The following is an entry in ClinVar:

NM_004304.5(ALK):c.1145G>C (p.Gly382Ala)

Gene: ALK (ALK receptor tyrosine kinase; minus strand). Cytogenetic location: 2p23.2.
Variant type: single nucleotide variant.
Coding change: c.1145G>C on transcript NM_004304.5 (MANE Select); coding-DNA position 1145, G replaced by C.
Protein change: p.Gly382Ala; replaces glycine 382 with alanine.
Molecular consequence: missense variant.
Genome position (GRCh38, 1-based): chr2:29,531,924, C>G on the plus strand (G>C on the coding strand, the complement: ALK is on the minus strand). VCF-style: chr2-29531924-C-G. GRCh37 (hg19) VCF-style: chr2-29754790-C-G.
Other names: short protein forms G382A.
Identifiers: ClinVar variation 3223782 (VCV003223782.1), dbSNP rs1217100351, ClinGen allele CA346587180.
Genomic context (GRCh38, chr2:29,531,924, plus strand): 5'-AAGCCAAATCACCTGGTATAAAATCAATTTTGGACATGGAGAAGTACTTACCCATGCTTC[C>G]CTGGAGTGGGCATCAGGAGGATCTCTCTTGCAGCCTCGTTGTGGGGCAGCAGCTGGGCAA-3'
Protein context (NP_004295.2, residues 372-392): AREILLMPTP[Gly382Ala]KHGWTVLQGR

ClinVar aggregate classification (germline): Uncertain significance (1 of 4 stars; one submission).

Conditions:
Hereditary cancer-predisposing syndrome. Also called: Tumor predisposition; Hereditary neoplastic syndrome; Hereditary Cancer Syndrome; Neoplastic Syndromes, Hereditary. Identifiers: Orphanet 140162, MedGen C0027672, MeSH D009386, MONDO:0015356.

Submission:

Ambry Genetics
Classification: Uncertain significance for Hereditary cancer-predisposing syndrome. Last evaluated: 2023-10-15. Review status: criteria provided, single submitter. Criteria: Ambry Variant Classification Scheme 2023. Collection method: clinical testing. Allele origin: germline.
Comment: The p.G382A variant (also known as c.1145G>C), located in coding exon 4 of the ALK gene, results from a G to C substitution at nucleotide position 1145. The glycine at codon 382 is replaced by alanine, an amino acid with similar properties. This amino acid position is conserved. In addition, this alteration is predicted to be tolerated by in silico analysis. Since supporting evidence is limited at this time, the clinical significance of this alteration remains unclear.